The following is an entry in ClinVar:

NM_025216.3(WNT10A):c.499G>C (p.Glu167Gln)

Gene: WNT10A (Wnt family member 10A; plus strand). Cytogenetic location: 2q35.
Variant type: single nucleotide variant.
Coding change: c.499G>C on transcript NM_025216.3 (MANE Select); coding-DNA position 499, G replaced by C.
Protein change: p.Glu167Gln; replaces glutamic acid 167 with glutamine.
Molecular consequence: missense variant.
Genome position (GRCh38, 1-based): chr2:218,890,106, G>C. VCF-style: chr2-218890106-G-C. GRCh37 (hg19) VCF-style: chr2-219754828-G-C.
Other names: short protein forms E167Q.
Identifiers: ClinVar variation 2506059 (VCV002506059.1), dbSNP rs148714379, ClinGen allele CA350585860.
Genomic context (GRCh38, chr2:218,890,106, plus strand): 5'-AATGCGTGTGCCCTGGGCAAACTGAAGGCCTGTGGCTGTGATGCGTCCCGGCGAGGGGAC[G>C]AGGAGGCCTTCCGTAGGAAGCTGCACCGCTTACAACTGGATGCACTGCAGCGTGGTAAGG-3'
Protein context (NP_079492.2, residues 157-177): CGCDASRRGD[Glu167Gln]EAFRRKLHRL

ClinVar aggregate classification (germline): Uncertain significance (1 of 4 stars; one submission).

gnomAD v4.1: 7 of 1,614,018 alleles (0.00043%); highest among the groups gnomAD compares: East Asian, 0.016%; no homozygotes.

Submission:

Women's Health and Genetics/Laboratory Corporation of America, LabCorp
Classification: Uncertain significance. Last evaluated: 2023-05-12. Review status: criteria provided, single submitter. Criteria: LabCorp Variant Classification Summary - May 2015. Collection method: clinical testing. Allele origin: germline.
Comment: Variant summary: WNT10A c.499G>C (p.Glu167Gln) results in a conservative amino acid change in the encoded protein sequence. Four of five in-silico tools predict a benign effect of the variant on protein function. The variant allele was found at a frequency of 2e-05 in 251312 control chromosomes. The available data on variant occurrences in the general population are insufficient to allow any conclusion about variant significance. c.499G>C has been reported in the literature in the heterozygous state in a proband affected with tooth agenesis without ectodermal dysplasia who also carried an LRP6 variant and was the only affected individual in the family (Chu_2021). While the authors suggest possible genetic syngergism between the two variants in this proband, this report does not provide unequivocal conclusions about association of the variant with Odonto-onycho-dermal dysplasia. To our knowledge, no experimental evidence demonstrating an impact on protein function has been reported. The following publication have been ascertained in the context of this evaluation (PMID: 34834569). No clinical diagnostic laboratories have submitted clinical-significance assessments for this variant to ClinVar after 2014. Based on the evidence outlined above, the variant was classified as uncertain significance.

Literature cited by the submitters: PubMed 34834569.